The following is an entry in ClinVar:

ClinVar aggregate classification (germline): Uncertain significance (1 of 4 stars; one submission).

Conditions:
Cardiovascular phenotype. Identifiers: MedGen CN230736.

Allele frequency attached by ClinVar (database versions not stated): gnomAD exomes below 0.00001; ExAC 0.00001.
gnomAD v4.1: 1 of 1,614,010 alleles (0.000062%); highest among the groups gnomAD compares: Non-Finnish European, 0.000085%; no homozygotes.

Submission:

Ambry Genetics
Classification: Uncertain significance for Cardiovascular phenotype. Last evaluated: 2023-06-27. Review status: criteria provided, single submitter. Criteria: Ambry Variant Classification Scheme 2023. Collection method: clinical testing. Allele origin: germline.
Comment: The p.L4148V variant (also known as c.12442C>G), located in coding exon 22 of the ALMS1 gene, results from a C to G substitution at nucleotide position 12442. The leucine at codon 4148 is replaced by valine, an amino acid with highly similar properties. This amino acid position is well conserved in available vertebrate species. In addition, the in silico prediction for this alteration is inconclusive. Since supporting evidence is limited at this time, the clinical significance of this alteration remains unclear.

NM_001378454.1(ALMS1):c.12439C>G (p.Leu4147Val)

Gene: ALMS1 (ALMS1 centrosome and basal body associated protein; plus strand). Cytogenetic location: 2p13.1.
Variant type: single nucleotide variant.
Coding change: c.12439C>G on transcript NM_001378454.1 (MANE Select); coding-DNA position 12439, C replaced by G.
Protein change: p.Leu4147Val; replaces leucine 4147 with valine.
Molecular consequence: missense variant.
Genome position (GRCh38, 1-based): chr2:73,608,551, C>G. VCF-style: chr2-73608551-C-G. GRCh37 (hg19) VCF-style: chr2-73835678-C-G.
Other names: c.12442C>G, p.Leu4148Val (NM_015120.4); short protein forms L4148V, L4147V.
Identifiers: ClinVar variation 2626179 (VCV002626179.2), dbSNP rs768206918, ClinGen allele CA1715580.